The following is an entry in ClinVar:

ClinVar aggregate classification (germline): Uncertain significance (1 of 4 stars; one submission).

Conditions:
Oto-palato-digital syndrome, type II (OPD2). Also called: FACIOPALATOOSSEOUS SYNDROME; OPD II SYNDROME; Otopalatodigital Syndrome, Type II; Otopalatodigital Syndrome Type 2 (FLNA-OPD2). Identifiers: Orphanet 669, Orphanet 90652, MedGen C1844696, MONDO:0010571, OMIM 304120.
Heterotopia, periventricular, X-linked dominant (PVNH1). Also called: PERIVENTRICULAR NODULAR HETEROTOPIA 1; X-linked periventricular heterotopia; PERIVENTRICULAR NODULAR HETEROTOPIA 4; HETEROTOPIA, PERIVENTRICULAR, 1. Identifiers: Orphanet 2149, Orphanet 82004, MedGen C1848213, MONDO:0010233, OMIM 300049.
Frontometaphyseal dysplasia (FMD1). Identifiers: Orphanet 1826, MedGen C0265293, MONDO:0015942.
Melnick-Needles syndrome (MNS). Also called: MELNICK-NEEDLES OSTEODYSPLASTY; OSTEODYSPLASTY OF MELNICK AND NEEDLES; Melnick-Needles Syndrome (FLNA-MNS). Identifiers: Orphanet 2484, MedGen C0025237, MONDO:0010650, OMIM 309350.

gnomAD v4.1: 2 of 1,210,653 alleles (0.00017%); highest among the groups gnomAD compares: Non-Finnish European, 0.00011%; no homozygotes.

Submission:

Labcorp Genetics (formerly Invitae), Labcorp
Classification: Uncertain significance for Oto-palato-digital syndrome, type II; Heterotopia, periventricular, X-linked dominant; Frontometaphyseal dysplasia; Melnick-Needles syndrome. Last evaluated: 2023-04-22. Review status: criteria provided, single submitter. Criteria: Invitae Variant Classification Sherloc (09022015). Collection method: clinical testing. Allele origin: germline.
Comment: This variant is not present in population databases (gnomAD no frequency). This variant has not been reported in the literature in individuals affected with FLNA-related conditions. Advanced modeling of protein sequence and biophysical properties (such as structural, functional, and spatial information, amino acid conservation, physicochemical variation, residue mobility, and thermodynamic stability) performed at Invitae indicates that this missense variant is not expected to disrupt FLNA protein function. In summary, the available evidence is currently insufficient to determine the role of this variant in disease. Therefore, it has been classified as a Variant of Uncertain Significance. This sequence change replaces arginine, which is basic and polar, with leucine, which is neutral and non-polar, at codon 1272 of the FLNA protein (p.Arg1272Leu).

NM_001110556.2(FLNA):c.3815G>T (p.Arg1272Leu)

Gene: FLNA (filamin A; minus strand). Cytogenetic location: Xq28.
Variant type: single nucleotide variant.
Coding change: c.3815G>T on transcript NM_001110556.2 (MANE Select); coding-DNA position 3815, G replaced by T.
Protein change: p.Arg1272Leu; replaces arginine 1272 with leucine.
Molecular consequence: missense variant.
Genome position (GRCh38, 1-based): chrX:154,359,896, C>A on the plus strand (G>T on the coding strand, the complement: FLNA is on the minus strand). VCF-style: chrX-154359896-C-A. GRCh37 (hg19) VCF-style: chrX-153588264-C-A.
Other names: c.3815G>T, p.Arg1272Leu (NM_001456.4); short protein forms R1272L.
Identifiers: ClinVar variation 2947007 (VCV002947007.3), dbSNP rs2067691676, ClinGen allele CA415222394.